The following is an entry in ClinVar:

NM_004068.4(AP2M1):c.887T>C (p.Val296Ala)

Gene: AP2M1 (adaptor related protein complex 2 subunit mu 1; plus strand). Cytogenetic location: 3q27.1.
Variant type: single nucleotide variant.
Coding change: c.887T>C on transcript NM_004068.4 (MANE Select); coding-DNA position 887, T replaced by C.
Protein change: p.Val296Ala; replaces valine 296 with alanine.
Molecular consequence: missense variant.
Genome position (GRCh38, 1-based): chr3:184,181,971, T>C. VCF-style: chr3-184181971-T-C. GRCh37 (hg19) VCF-style: chr3-183899759-T-C.
Other names: c.881T>C, p.Val294Ala (NM_001025205.2); c.962T>C, p.Val321Ala (NM_001311198.2); short protein forms V294A, V296A, V321A.
Identifiers: ClinVar variation 1719924 (VCV001719924.5), dbSNP rs1715288049, ClinGen allele CA355428049.

ClinVar aggregate classification (germline): Uncertain significance (1 of 4 stars; one submission).

Allele frequency attached by ClinVar (database versions not stated): gnomAD 0.00001; TOPMed 0.00001.

Submission:

Labcorp Genetics (formerly Invitae), Labcorp
Classification: Uncertain significance. Last evaluated: 2022-09-20. Review status: criteria provided, single submitter. Criteria: Invitae Variant Classification Sherloc (09022015). Collection method: clinical testing. Allele origin: germline.
Comment: In summary, the available evidence is currently insufficient to determine the role of this variant in disease. Therefore, it has been classified as a Variant of Uncertain Significance. Algorithms developed to predict the effect of missense changes on protein structure and function (SIFT, PolyPhen-2, Align-GVGD) all suggest that this variant is likely to be tolerated. This variant has not been reported in the literature in individuals affected with AP2M1-related conditions. This variant is not present in population databases (gnomAD no frequency). This sequence change replaces valine, which is neutral and non-polar, with alanine, which is neutral and non-polar, at codon 296 of the AP2M1 protein (p.Val296Ala).